The following is an entry in ClinVar:

NM_000395.3(CSF2RB):c.2360C>A (p.Pro787His)

Gene: CSF2RB (colony stimulating factor 2 receptor subunit beta; plus strand). Cytogenetic location: 22q12.3.
Variant type: single nucleotide variant.
Coding change: c.2360C>A on transcript NM_000395.3 (MANE Select); coding-DNA position 2360, C replaced by A.
Protein change: p.Pro787His; replaces proline 787 with histidine.
Molecular consequence: missense variant.
Genome position (GRCh38, 1-based): chr22:36,938,168, C>A. VCF-style: chr22-36938168-C-A. GRCh37 (hg19) VCF-style: chr22-37334210-C-A.
Other names: c.2360C>A (NM_000395.2); short protein forms P787H.
Identifiers: ClinVar variation 1388175 (VCV001388175.7), dbSNP rs139908463, ClinGen allele CA10214102.

ClinVar aggregate classification (germline): Uncertain significance. Review status: criteria provided, multiple submitters, no conflicts (2 of 4 stars). 2 submissions from 2 submitters: Uncertain significance (2). Last evaluated 2025-12-17.

Conditions:
Inborn genetic diseases. Identifiers: MedGen C0950123, MeSH D030342.

Allele frequency attached by ClinVar (database versions not stated): gnomAD exomes 0.00002; ExAC 0.00004; gnomAD 0.00009; TOPMed 0.00017; ESP Exome Variant Server 0.00023; 1000 Genomes Project 30x 0.00031; 1000 Genomes Project 0.00040.
gnomAD v4.1: 23 of 1,614,154 alleles (0.0014%); highest among the groups gnomAD compares: African/African-American, 0.025%; no homozygotes.

Submissions (2):

Labcorp Genetics (formerly Invitae), Labcorp
Classification: Uncertain significance. Last evaluated: 2025-12-17. Review status: criteria provided, single submitter. Criteria: Invitae Variant Classification Sherloc (09022015). Collection method: clinical testing. Allele origin: germline.
Comment: This sequence change replaces proline, which is neutral and non-polar, with histidine, which is basic and polar, at codon 787 of the CSF2RB protein (p.Pro787His). This variant is present in population databases (rs139908463, gnomAD 0.03%). This variant has not been reported in the literature in individuals affected with CSF2RB-related conditions. ClinVar contains an entry for this variant (Variation ID: 1388175). Invitae Evidence Modeling of protein sequence and biophysical properties (such as structural, functional, and spatial information, amino acid conservation, physicochemical variation, residue mobility, and thermodynamic stability) indicates that this missense variant is expected to disrupt CSF2RB protein function with a positive predictive value of 80%. In summary, the available evidence is currently insufficient to determine the role of this variant in disease. Therefore, it has been classified as a Variant of Uncertain Significance.

Ambry Genetics
Classification: Uncertain significance for Inborn genetic diseases. Last evaluated: 2025-05-20. Review status: criteria provided, single submitter. Criteria: Ambry Variant Classification Scheme 2023. Collection method: clinical testing. Allele origin: germline.